The following is an entry in ClinVar:

ClinVar aggregate classification (germline): Uncertain significance (1 of 4 stars; one submission).

Conditions:
Hereditary cancer-predisposing syndrome. Also called: Neoplastic Syndromes, Hereditary; Tumor predisposition; Hereditary Cancer Syndrome; Hereditary neoplastic syndrome. Identifiers: Orphanet 140162, MedGen C0027672, MeSH D009386, MONDO:0015356.

Submission:

Ambry Genetics
Classification: Uncertain significance for Hereditary cancer-predisposing syndrome. Last evaluated: 2024-03-27. Review status: criteria provided, single submitter. Criteria: Ambry Variant Classification Scheme 2023. Collection method: clinical testing. Allele origin: germline.
Comment: The p.E770G variant (also known as c.2309A>G), located in coding exon 14 of the RAD50 gene, results from an A to G substitution at nucleotide position 2309. The glutamic acid at codon 770 is replaced by glycine, an amino acid with similar properties. This amino acid position is highly conserved in available vertebrate species. In addition, the in silico prediction for this alteration is inconclusive. Since supporting evidence is limited at this time, the clinical significance of this alteration remains unclear.

NM_005732.4(RAD50):c.2309A>G (p.Glu770Gly)

Gene: RAD50 (RAD50 double strand break repair protein; plus strand). Cytogenetic location: 5q31.1.
Variant type: single nucleotide variant.
Coding change: c.2309A>G on transcript NM_005732.4 (MANE Select); coding-DNA position 2309, A replaced by G.
Protein change: p.Glu770Gly; replaces glutamic acid 770 with glycine.
Molecular consequence: missense variant.
Genome position (GRCh38, 1-based): chr5:132,603,401, A>G. VCF-style: chr5-132603401-A-G. GRCh37 (hg19) VCF-style: chr5-131939093-A-G.
Other names: short protein forms E770G.
Identifiers: ClinVar variation 821084 (VCV000821084.4), dbSNP rs1581001070, ClinGen allele CA360954529.